The following is an entry in ClinVar:

ClinVar aggregate classification (germline): Pathogenic (1 of 4 stars; one submission).

Conditions:
Developmental and epileptic encephalopathy, 9 (DEE9). Also called: Early infantile epileptic encephalopathy 9; JUBERG-HELLMAN SYNDROME; PCDH19-Related X-Linked Female-Limited Epilepsy with Mental Retardation; EPILEPSY, FEMALE-RESTRICTED, WITH MENTAL RETARDATION. Identifiers: Orphanet 101039, Orphanet 2076, MedGen C1848137, MONDO:0010246, OMIM 300088. Disease mechanism: loss of function.

Submission:

Labcorp Genetics (formerly Invitae), Labcorp
Classification: Pathogenic for Developmental and epileptic encephalopathy, 9. Last evaluated: 2022-11-28. Review status: criteria provided, single submitter. Criteria: Invitae Variant Classification Sherloc (09022015). Collection method: clinical testing. Allele origin: germline.
Comment: This sequence change creates a premature translational stop signal (p.His450Profs*117) in the PCDH19 gene. It is expected to result in an absent or disrupted protein product. Loss-of-function variants in PCDH19 are known to be pathogenic (PMID: 21053371). This variant is not present in population databases (gnomAD no frequency). This variant has not been reported in the literature in individuals affected with PCDH19-related conditions. For these reasons, this variant has been classified as Pathogenic.

Literature cited by the submitters: PubMed 21053371.

NM_001184880.2(PCDH19):c.1349_1355del (p.His450fs)

Gene: PCDH19 (protocadherin 19; minus strand). Cytogenetic location: Xq22.1.
Variant type: Deletion.
Coding change: c.1349_1355del on transcript NM_001184880.2 (MANE Select); coding-DNA positions 1349 to 1355, 7 bases deleted (ACCCGCA; older notation c.1349_1355delACCCGCA).
Protein change: p.His450fs; shifts the reading frame from histidine 450.
Molecular consequence: frameshift variant.
Genome position (GRCh38, 1-based): chrX:100,407,243-100,407,249, TGCGGGT deleted on the plus strand (ACCCGCA on the coding strand, the reverse complement: PCDH19 is on the minus strand). VCF-style (leftmost placement, unchanged base first): chrX-100407242-GTGCGGGT-G. GRCh37 (hg19) VCF-style: chrX-99662240-GTGCGGGT-G.
Other names: c.1349_1355del, p.His450fs (NM_001105243.2, NM_020766.3); short protein forms H450fs.
Identifiers: ClinVar variation 2129395 (VCV002129395.4), dbSNP rs2520983286, ClinGen allele CA2580100032.